The following is an entry in ClinVar:

NM_001457.4(FLNB):c.1556C>T (p.Thr519Ile)

Gene: FLNB (filamin B; plus strand). Cytogenetic location: 3p14.3.
Variant type: single nucleotide variant.
Coding change: c.1556C>T on transcript NM_001457.4 (MANE Select); coding-DNA position 1556, C replaced by T.
Protein change: p.Thr519Ile; replaces threonine 519 with isoleucine.
Molecular consequence: missense variant.
Genome position (GRCh38, 1-based): chr3:58,104,031, C>T. VCF-style: chr3-58104031-C-T. GRCh37 (hg19) VCF-style: chr3-58089758-C-T.
Other names: c.1556C>T, p.Thr519Ile (NM_001164317.2, NM_001164318.2, NM_001164319.2); short protein forms T519I.
Identifiers: ClinVar variation 2802478 (VCV002802478.3), dbSNP rs2471069706, ClinGen allele CA353338416.

ClinVar aggregate classification (germline): Uncertain significance (1 of 4 stars; one submission).

Allele frequency attached by ClinVar (database versions not stated): gnomAD exomes below 0.00001.
gnomAD v4.1: 4 of 1,613,778 alleles (0.00025%); highest among the groups gnomAD compares: African/African-American, 0.0013%; no homozygotes.

Submission:

Labcorp Genetics (formerly Invitae), Labcorp
Classification: Uncertain significance. Last evaluated: 2023-11-06. Review status: criteria provided, single submitter. Criteria: Invitae Variant Classification Sherloc (09022015). Collection method: clinical testing. Allele origin: germline.
Comment: This sequence change replaces threonine, which is neutral and polar, with isoleucine, which is neutral and non-polar, at codon 519 of the FLNB protein (p.Thr519Ile). This variant is not present in population databases (gnomAD no frequency). This variant has not been reported in the literature in individuals affected with FLNB-related conditions. Advanced modeling of protein sequence and biophysical properties (such as structural, functional, and spatial information, amino acid conservation, physicochemical variation, residue mobility, and thermodynamic stability) performed at Invitae indicates that this missense variant is not expected to disrupt FLNB protein function with a negative predictive value of 95%. In summary, the available evidence is currently insufficient to determine the role of this variant in disease. Therefore, it has been classified as a Variant of Uncertain Significance.